The following is an entry in ClinVar:

NM_001375524.1(TRRAP):c.11563G>A (p.Ala3855Thr)

Gene: TRRAP (transformation/transcription domain associated protein; plus strand). Cytogenetic location: 7q22.1.
Variant type: single nucleotide variant.
Coding change: c.11563G>A on transcript NM_001375524.1 (MANE Select); coding-DNA position 11563, G replaced by A.
Protein change: p.Ala3855Thr; replaces alanine 3855 with threonine.
Molecular consequence: missense variant.
Genome position (GRCh38, 1-based): chr7:99,012,296, G>A. VCF-style: chr7-99012296-G-A. GRCh37 (hg19) VCF-style: chr7-98609919-G-A.
Other names: c.11521G>A, p.Ala3841Thr (NM_001244580.2); c.11434G>A, p.Ala3812Thr (NM_003496.4); short protein forms A3812T, A3841T, A3855T.
Identifiers: ClinVar variation 1325826 (VCV001325826.1), dbSNP rs759268268, ClinGen allele CA4362197.

ClinVar aggregate classification (germline): Uncertain significance (1 of 4 stars; one submission).

Conditions:
Developmental delay with or without dysmorphic facies and autism. Identifiers: MedGen C5193106, MONDO:0032760, OMIM 618454.

Submission:

Institute of Human Genetics, University of Leipzig Medical Center
Classification: Uncertain significance for Developmental delay with or without dysmorphic facies and autism. Last evaluated: 2021-11-09. Review status: criteria provided, single submitter. Criteria: ACMG Guidelines, 2015. Collection method: clinical testing. Allele origin: de novo. Affected: yes.
Comment: This variant was identified as de novo (maternity and paternity confirmed)._x000D_ Criteria applied: PS2_MOD, PM2_SUP, PP2, PP3